The following is an entry in ClinVar:

NM_025215.6(PUS1):c.551A>G (p.Lys184Arg)

Gene: PUS1 (pseudouridine synthase 1; plus strand). Cytogenetic location: 12q24.33.
Variant type: single nucleotide variant.
Coding change: c.551A>G on transcript NM_025215.6 (MANE Select); coding-DNA position 551, A replaced by G.
Protein change: p.Lys184Arg; replaces lysine 184 with arginine.
Molecular consequence: missense variant.
Genome position (GRCh38, 1-based): chr12:131,941,298, A>G. VCF-style: chr12-131941298-A-G. GRCh37 (hg19) VCF-style: chr12-132425843-A-G.
Other names: c.467A>G, p.Lys156Arg (NM_001002019.3, NM_001002020.3); short protein forms K156R, K184R.
Identifiers: ClinVar variation 1311588 (VCV001311588.2), dbSNP rs1891051855, ClinGen allele CA387298676.

ClinVar aggregate classification (germline): Uncertain significance (1 of 4 stars; one submission).

Allele frequency attached by ClinVar (database versions not stated): TOPMed below 0.00001; gnomAD 0.00001.

Submission:

GeneDx
Classification: Uncertain significance. Last evaluated: 2019-12-26. Review status: criteria provided, single submitter. Criteria: GeneDx Variant Classification Process June 2021. Collection method: clinical testing. Allele origin: germline. Affected: yes.
Comment: Not observed in large population cohorts (Lek et al., 2016); In silico analysis, which includes protein predictors and evolutionary conservation, supports that this variant does not alter protein structure/function; Has not been previously published as pathogenic or benign to our knowledge